The following is an entry in ClinVar:

NM_000632.4(ITGAM):c.1032C>T (p.Ser344=)

Gene: ITGAM (integrin subunit alpha M; plus strand). Cytogenetic location: 16p11.2.
Variant type: single nucleotide variant.
Coding change: c.1032C>T on transcript NM_000632.4 (MANE Select); coding-DNA position 1032, C replaced by T.
Protein change: p.Ser344=; no amino-acid change (serine 344 retained).
Molecular consequence: synonymous variant.
Genome position (GRCh38, 1-based): chr16:31,276,693, C>T. VCF-style: chr16-31276693-C-T. GRCh37 (hg19) VCF-style: chr16-31288014-C-T.
Other names: c.1032C>T, p.Ser344= (NM_001145808.2).
Identifiers: ClinVar variation 3050736 (VCV003050736.2), dbSNP rs778809073, ClinGen allele CA8025417.

ClinVar aggregate classification (germline): Likely benign (0 of 4 stars; one submission).

Conditions:
ITGAM-related disorder. Also called: ITGAM-related condition.

Allele frequency attached by ClinVar (database versions not stated): ExAC 0.00001.
gnomAD v4.1: 6 of 1,611,932 alleles (0.00037%); highest among the groups gnomAD compares: South Asian, 0.0044%; no homozygotes.

Submission:

PreventionGenetics, part of Exact Sciences
Classification: Likely benign for ITGAM-related condition. Last evaluated: 2022-06-20. Review status: no assertion criteria provided. Collection method: clinical testing. Allele origin: germline.
Comment: This variant is classified as likely benign based on ACMG/AMP sequence variant interpretation guidelines (Richards et al. 2015 PMID: 25741868, with internal and published modifications).